The following is an entry in ClinVar:

NM_022455.5(NSD1):c.4845C>A (p.Tyr1615Ter)

Gene: NSD1 (nuclear receptor binding SET domain protein 1; plus strand). Cytogenetic location: 5q35.3.
Variant type: single nucleotide variant.
Coding change: c.4845C>A on transcript NM_022455.5 (MANE Select); coding-DNA position 4845, C replaced by A.
Protein change: p.Tyr1615Ter; replaces tyrosine 1615 with a stop codon.
Molecular consequence: nonsense.
Genome position (GRCh38, 1-based): chr5:177,257,030, C>A. VCF-style: chr5-177257030-C-A. GRCh37 (hg19) VCF-style: chr5-176684031-C-A.
Other names: c.3972C>A, p.Tyr1324Ter (NM_001365684.2, NM_001409308.1, NM_001409309.1 and 1 more transcripts); c.4845C>A, p.Tyr1615Ter (NM_001409301.1, NM_001409302.1, NM_001409303.1); c.4425C>A, p.Tyr1475Ter (NM_001409304.1); c.4092C>A, p.Tyr1364Ter (NM_001409305.1); c.4083C>A, p.Tyr1361Ter (NM_001409306.1, NM_001409307.1); short protein forms Y1364*, Y1324*, Y1615*, Y1361*, Y1475*.
Identifiers: ClinVar variation 3632119 (VCV003632119.2).

ClinVar aggregate classification (germline): Pathogenic (1 of 4 stars; one submission).

Submission:

Labcorp Genetics (formerly Invitae), Labcorp
Classification: Pathogenic. Last evaluated: 2023-12-25. Review status: criteria provided, single submitter. Criteria: Invitae Variant Classification Sherloc (09022015). Collection method: clinical testing. Allele origin: germline.
Comment: This sequence change creates a premature translational stop signal (p.Tyr1615*) in the NSD1 gene. It is expected to result in an absent or disrupted protein product. Loss-of-function variants in NSD1 are known to be pathogenic (PMID: 12464997, 14571271, 15942875, 16247291). This variant is not present in population databases (gnomAD no frequency). This variant has not been reported in the literature in individuals affected with NSD1-related conditions. For these reasons, this variant has been classified as Pathogenic.

Literature cited by the submitters: PubMed 12464997; PubMed 14571271; PubMed 15942875; PubMed 16247291.